The following is an entry in ClinVar:

NM_004329.3(BMPR1A):c.4C>T (p.Pro2Ser)

Gene: BMPR1A (bone morphogenetic protein receptor type 1A; plus strand). Cytogenetic location: 10q23.2.
Variant type: single nucleotide variant.
Coding change: c.4C>T on transcript NM_004329.3 (MANE Select); coding-DNA position 4, C replaced by T.
Protein change: p.Pro2Ser; replaces proline 2 with serine.
Molecular consequence: missense variant.
Genome position (GRCh38, 1-based): chr10:86,876,022, C>T. VCF-style: chr10-86876022-C-T. GRCh37 (hg19) VCF-style: chr10-88635779-C-T.
Other names: short protein forms P2S.
Identifiers: ClinVar variation 941110 (VCV000941110.12), dbSNP rs11528010, ClinGen allele CA377774747.

ClinVar aggregate classification (germline): Uncertain significance. Review status: criteria provided, multiple submitters, no conflicts (2 of 4 stars). 4 submissions from 4 submitters: Uncertain significance (4). Last evaluated 2025-12-10.

Conditions:
Polyposis syndrome, hereditary mixed, 2. Identifiers: Orphanet 157794, MedGen C1864730, MONDO:0012405, OMIM 610069.
Hereditary cancer-predisposing syndrome. Also called: Tumor predisposition; Hereditary neoplastic syndrome; Neoplastic Syndromes, Hereditary; Hereditary Cancer Syndrome. Identifiers: Orphanet 140162, MedGen C0027672, MeSH D009386, MONDO:0015356.
Juvenile polyposis syndrome (JPS). Identifiers: Orphanet 2929, MedGen C0345893, MONDO:0017380, OMIM 174900.

Submissions (4):

Color Diagnostics, LLC DBA Color Health
Classification: Uncertain significance for Hereditary cancer-predisposing syndrome. Last evaluated: 2025-12-10. Review status: criteria provided, single submitter. Criteria: ACMG Guidelines, 2015. Collection method: clinical testing. Allele origin: germline.
Comment: This missense variant replaces proline with serine at codon 2 of the BMPR1A protein. Computational prediction suggests that this variant may not impact protein structure and function. To our knowledge, functional studies have not been reported for this variant. This variant has not been reported in individuals affected with BMPR1A-related disorders in the literature. This variant has been identified in 0/1604012 chromosomes in the general population by the Genome Aggregation Database (gnomAD). The available evidence is insufficient to determine the role of this variant in disease conclusively. Therefore, this variant is classified as a Variant of Uncertain Significance.

Ambry Genetics
Classification: Uncertain significance for Hereditary cancer-predisposing syndrome. Last evaluated: 2025-11-25. Review status: criteria provided, single submitter. Criteria: Ambry Variant Classification Scheme 2023. Collection method: clinical testing. Allele origin: germline.
Comment: The p.P2S variant (also known as c.4C>T), located in coding exon 1 of the BMPR1A gene, results from a C to T substitution at nucleotide position 4. The proline at codon 2 is replaced by serine, an amino acid with similar properties. This amino acid position is poorly conserved in available vertebrate species. In addition, this alteration is predicted to be tolerated by in silico analysis. Based on the available evidence, the clinical significance of this variant remains unclear.

Baylor Genetics
Classification: Uncertain significance for Polyposis syndrome, hereditary mixed, 2. Last evaluated: 2023-10-12. Review status: criteria provided, single submitter. Criteria: ACMG Guidelines, 2015. Collection method: clinical testing. Allele origin: unknown.

Labcorp Genetics (formerly Invitae), Labcorp
Classification: Uncertain significance for Juvenile polyposis syndrome. Last evaluated: 2022-12-07. Review status: criteria provided, single submitter. Criteria: Invitae Variant Classification Sherloc (09022015). Collection method: clinical testing. Allele origin: germline.
Comment: This sequence change replaces proline, which is neutral and non-polar, with serine, which is neutral and polar, at codon 2 of the BMPR1A protein (p.Pro2Ser). In summary, the available evidence is currently insufficient to determine the role of this variant in disease. Therefore, it has been classified as a Variant of Uncertain Significance. Advanced modeling of protein sequence and biophysical properties (such as structural, functional, and spatial information, amino acid conservation, physicochemical variation, residue mobility, and thermodynamic stability) performed at Invitae indicates that this missense variant is not expected to disrupt BMPR1A protein function. ClinVar contains an entry for this variant (Variation ID: 941110). This variant has not been reported in the literature in individuals affected with BMPR1A-related conditions. This variant is not present in population databases (gnomAD no frequency).